The following is an entry in ClinVar:

ClinVar aggregate classification (germline): Uncertain significance. Review status: criteria provided, single submitter (1 of 4 stars). 2 submissions from 2 submitters: Uncertain significance (1). 1 of the submissions does not count toward it. Last evaluated 2022-07-26.

Conditions:
Leber congenital amaurosis (LCA). Also called: Leber's amaurosis. Identifiers: Orphanet 65, MedGen C0339527, MeSH D057130, MONDO:0018998.
Leber congenital amaurosis 8 (LCA8). Identifiers: Orphanet 65, MedGen C3151202, MONDO:0013453, OMIM 613835.
Retinitis pigmentosa 12 (RP12). Also called: RP WITH OR WITHOUT PPRPE; RP WITH OR WITHOUT PRESERVED PARAARTERIOLE RETINAL PIGMENT EPITHELIUM; RETINITIS PIGMENTOSA WITH OR WITHOUT PARAARTERIOLAR PRESERVATION OF RETINAL PIGMENT EPITHELIUM. Identifiers: Orphanet 791, MedGen C1838647, MONDO:0010818, OMIM 600105.

Allele frequency attached by ClinVar (database versions not stated): gnomAD exomes below 0.00001; gnomAD 0.00001; ExAC 0.00002; 1000 Genomes Project 30x 0.00016; 1000 Genomes Project 0.00020.
gnomAD v4.1: 6 of 1,613,874 alleles (0.00037%); highest among the groups gnomAD compares: African/African-American, 0.0013%; no homozygotes.

Submissions (2):

Labcorp Genetics (formerly Invitae), Labcorp
Classification: Uncertain significance for Leber congenital amaurosis 8; Retinitis pigmentosa 12. Last evaluated: 2022-07-26. Review status: criteria provided, single submitter. Criteria: Invitae Variant Classification Sherloc (09022015). Collection method: clinical testing. Allele origin: germline.
Comment: This sequence change replaces valine, which is neutral and non-polar, with isoleucine, which is neutral and non-polar, at codon 793 of the CRB1 protein (p.Val793Ile). This variant is present in population databases (rs528781963, gnomAD 0.002%). This variant has not been reported in the literature in individuals affected with CRB1-related conditions. ClinVar contains an entry for this variant (Variation ID: 1407017). Advanced modeling of protein sequence and biophysical properties (such as structural, functional, and spatial information, amino acid conservation, physicochemical variation, residue mobility, and thermodynamic stability) performed at Invitae indicates that this missense variant is not expected to disrupt CRB1 protein function. In summary, the available evidence is currently insufficient to determine the role of this variant in disease. Therefore, it has been classified as a Variant of Uncertain Significance.

Natera, Inc.
Classification: Uncertain significance for Leber congenital amaurosis. Last evaluated: 2025-02-10. Review status: no assertion criteria provided. Collection method: clinical testing. Allele origin: germline. Not counted in ClinVar's aggregate classification.

NM_201253.3(CRB1):c.2377G>A (p.Val793Ile)

Gene: CRB1 (crumbs cell polarity complex component 1; plus strand). Cytogenetic location: 1q31.3.
Variant type: single nucleotide variant.
Coding change: c.2377G>A on transcript NM_201253.3 (MANE Select); coding-DNA position 2377, G replaced by A.
Protein change: p.Val793Ile; replaces valine 793 with isoleucine.
Molecular consequence: missense variant. On other transcripts: non-coding transcript variant (2), intron variant (1).
Genome position (GRCh38, 1-based): chr1:197,427,702, G>A. VCF-style: chr1-197427702-G-A. GRCh37 (hg19) VCF-style: chr1-197396832-G-A.
Other names: c.2041G>A, p.Val681Ile (NM_001193640.2); c.2170G>A, p.Val724Ile (NM_001257965.2); c.2128+5746G>A (NM_001257966.2); c.2377G>A (NM_201253.2); short protein forms V724I, V793I, V681I.
Identifiers: ClinVar variation 1407017 (VCV001407017.6), dbSNP rs528781963, ClinGen allele CA1312112.